The following is an entry in ClinVar:

ClinVar aggregate classification (germline): Likely pathogenic (1 of 4 stars; one submission).

Conditions:
Autosomal recessive polycystic kidney disease (ARPKD). Also called: AR polycystic kidney disease. Identifiers: Orphanet 731, Orphanet 8378, MedGen C0085548, MeSH D017044, MONDO:0009889.

Submission:

Natera, Inc.
Classification: Likely pathogenic for Autosomal recessive polycystic kidney disease. Last evaluated: 2024-05-01. Review status: criteria provided, single submitter. Criteria: Natera Variant Classification Schema (03/2026). Collection method: clinical testing. Allele origin: germline.
Comment: The c.169C>T variant in PKHD1 is a nonsense variant predicted to introduce a stop codon at amino acid 57. This variant is expected to result in nonsense mediated decay, truncation, or a dysfunctional protein product. This variant is rare in the general population with a frequency below the threshold expected for the associated phenotype(s). Given the available evidence, this variant is classified as Likely Pathogenic.

NM_138694.4(PKHD1):c.169C>T (p.Gln57Ter)

Gene: PKHD1 (PKHD1 ciliary IPT domain containing fibrocystin/polyductin; minus strand). Cytogenetic location: 6p12.2.
Variant type: single nucleotide variant.
Coding change: c.169C>T on transcript NM_138694.4 (MANE Select); coding-DNA position 169, C replaced by T.
Protein change: p.Gln57Ter; replaces glutamine 57 with a stop codon.
Molecular consequence: nonsense.
Genome position (GRCh38, 1-based): chr6:52,082,504, G>A on the plus strand (C>T on the coding strand, the complement: PKHD1 is on the minus strand). VCF-style: chr6-52082504-G-A. GRCh37 (hg19) VCF-style: chr6-51947302-G-A.
Other names: c.169C>T, p.Gln57Ter (NM_170724.3); short protein forms Q57*.
Identifiers: ClinVar variation 4816588 (VCV004816588.1).